The following is an entry in ClinVar:

ClinVar aggregate classification (germline): Pathogenic. Review status: criteria provided, multiple submitters, no conflicts (2 of 4 stars). 3 submissions from 3 submitters: Pathogenic (3). Last evaluated 2025-09-05.

Conditions:
Leukodystrophy. Identifiers: Orphanet 68356, MedGen C0023520, MONDO:0019046, HP:0002415.

Allele frequency attached by ClinVar (database versions not stated): gnomAD exomes below 0.00001; ExAC 0.00001; gnomAD 0.00001.
gnomAD v4.1: 4 of 1,613,916 alleles (0.00025%); highest among the groups gnomAD compares: East Asian, 0.0022%; no homozygotes.

Submissions (3):

Labcorp Genetics (formerly Invitae), Labcorp
Classification: Pathogenic. Last evaluated: 2025-09-05. Review status: criteria provided, single submitter. Criteria: Invitae Variant Classification Sherloc (09022015). Collection method: clinical testing. Allele origin: germline.
Comment: This sequence change creates a premature translational stop signal (p.Gln1039*) in the POLR3A gene. It is expected to result in an absent or disrupted protein product. Loss-of-function variants in POLR3A are known to be pathogenic (PMID: 21855841, 25339210, 27612211, 30414627, 30450527). The frequency data for this variant in the population databases is considered unreliable, as metrics indicate poor data quality at this position in the gnomAD database. This premature translational stop signal has been observed in individual(s) with POLR3A-related conditions (PMID: 29691679). ClinVar contains an entry for this variant (Variation ID: 2412670). Algorithms developed to predict the effect of sequence changes on RNA splicing suggest that this variant may disrupt the consensus splice site. For these reasons, this variant has been classified as Pathogenic.

GeneDx
Classification: Pathogenic. Last evaluated: 2025-04-01. Review status: criteria provided, single submitter. Criteria: GeneDx Variant Classification Process June 2021. Collection method: clinical testing. Allele origin: germline. Affected: yes.
Comment: Nonsense variant predicted to result in protein truncation or nonsense mediated decay in a gene for which loss of function is a known mechanism of disease; Not observed at significant frequency in large population cohorts (gnomAD); This variant is associated with the following publications: (PMID: 29691679)

Broad Center for Mendelian Genomics, Broad Institute of MIT and Harvard
Classification: Pathogenic for Leukodystrophy. Last evaluated: 2023-01-24. Review status: criteria provided, single submitter. Criteria: ACMG Guidelines, 2015. Collection method: curation. Allele origin: germline. Inheritance: Autosomal recessive inheritance.
Comment: The p.Gln1039Ter variant in POLR3A has been reported in 1 individual, in the compound heterozygous state, with POLR3A-related disorders (PMID: 29691679) and has been identified in 0.005% (1/18394) of East Asian chromosomes by the Genome Aggregation Database (gnomAD; dbSNP ID: rs769391875). Although this variant has been seen in the general population in a heterozygous state, its frequency is low enough to be consistent with a recessive carrier frequency. This nonsense variant leads to a premature termination codon at position 1039, which is predicted to lead to a truncated or absent protein. Loss of function of the POLR3A gene is an established disease mechanism in autosomal recessive POLR3A-related disorders. In summary, this variant meets criteria to be classified as pathogenic for autosomal recessive POLR3A-related disorders. ACMG/AMP Criteria applied: PVS1, PM3_supporting, PM2_supporting (Richards 2015).

Literature cited by the submitters: PubMed 21855841 (cited by Labcorp Genetics (formerly Invitae), Labcorp); PubMed 25339210 (cited by Labcorp Genetics (formerly Invitae), Labcorp); PubMed 27612211 (cited by Labcorp Genetics (formerly Invitae), Labcorp); PubMed 30414627 (cited by Labcorp Genetics (formerly Invitae), Labcorp); PubMed 30450527 (cited by Labcorp Genetics (formerly Invitae), Labcorp); PubMed 29691679 (cited by Labcorp Genetics (formerly Invitae), Labcorp).

NM_007055.4(POLR3A):c.3115C>T (p.Gln1039Ter)

Gene: POLR3A (RNA polymerase III subunit A; minus strand). Cytogenetic location: 10q22.3.
Variant type: single nucleotide variant.
Coding change: c.3115C>T on transcript NM_007055.4 (MANE Select); coding-DNA position 3115, C replaced by T.
Protein change: p.Gln1039Ter; replaces glutamine 1039 with a stop codon.
Molecular consequence: nonsense.
Genome position (GRCh38, 1-based): chr10:77,985,297, G>A on the plus strand (C>T on the coding strand, the complement: POLR3A is on the minus strand). VCF-style: chr10-77985297-G-A. GRCh37 (hg19) VCF-style: chr10-79745055-G-A.
Other names: NM_007055.4:c.3115C>T; c.3115C>T (NM_007055.3); short protein forms Q1039*.
Identifiers: ClinVar variation 2412670 (VCV002412670.3), dbSNP rs769391875, ClinGen allele CA5570921.